The following is an entry in ClinVar:

ClinVar aggregate classification (germline): Uncertain significance (1 of 4 stars; one submission).

gnomAD v4.1: 1 of 1,614,116 alleles (0.000062%); highest among the groups gnomAD compares: Non-Finnish European, 0.000085%; no homozygotes.

Submission:

Labcorp Genetics (formerly Invitae), Labcorp
Classification: Uncertain significance. Last evaluated: 2024-07-11. Review status: criteria provided, single submitter. Criteria: Invitae Variant Classification Sherloc (09022015). Collection method: clinical testing. Allele origin: germline.
Comment: This sequence change replaces valine, which is neutral and non-polar, with alanine, which is neutral and non-polar, at codon 997 of the MICAL1 protein (p.Val997Ala). This variant is not present in population databases (gnomAD no frequency). This variant has not been reported in the literature in individuals affected with MICAL1-related conditions. An algorithm developed to predict the effect of missense changes on protein structure and function (PolyPhen-2) suggests that this variant is likely to be disruptive. In summary, the available evidence is currently insufficient to determine the role of this variant in disease. Therefore, it has been classified as a Variant of Uncertain Significance.

NM_022765.4(MICAL1):c.2933T>C (p.Val978Ala)

Gene: MICAL1 (microtubule associated monooxygenase, calponin and LIM domain containing 1; minus strand). Cytogenetic location: 6q21.
Variant type: single nucleotide variant.
Coding change: c.2933T>C on transcript NM_022765.4 (MANE Select); coding-DNA position 2933, T replaced by C.
Protein change: p.Val978Ala; replaces valine 978 with alanine.
Molecular consequence: missense variant.
Genome position (GRCh38, 1-based): chr6:109,444,944, A>G on the plus strand (T>C on the coding strand, the complement: MICAL1 is on the minus strand). VCF-style: chr6-109444944-A-G. GRCh37 (hg19) VCF-style: chr6-109766147-A-G.
Other names: c.2675T>C, p.Val892Ala (NM_001159291.2); c.2990T>C, p.Val997Ala (NM_001286613.2); short protein forms V892A, V997A, V978A.
Identifiers: ClinVar variation 3693465 (VCV003693465.2).